The following is an entry in ClinVar:

NM_000552.5(VWF):c.6463G>T (p.Ala2155Ser)

Gene: VWF (von Willebrand factor; minus strand). Cytogenetic location: 12p13.31.
Variant type: single nucleotide variant.
Coding change: c.6463G>T on transcript NM_000552.5 (MANE Select); coding-DNA position 6463, G replaced by T.
Protein change: p.Ala2155Ser; replaces alanine 2155 with serine.
Molecular consequence: missense variant.
Genome position (GRCh38, 1-based): chr12:5,993,997, C>A on the plus strand (G>T on the coding strand, the complement: VWF is on the minus strand). VCF-style: chr12-5993997-C-A. GRCh37 (hg19) VCF-style: chr12-6103163-C-A.
Other names: c.6463G>T (NM_000552.4); short protein forms A2155S.
Identifiers: ClinVar variation 3189452 (VCV003189452.3), dbSNP rs368419568, ClinGen allele CA6401986.

ClinVar aggregate classification (germline): Uncertain significance. Review status: criteria provided, multiple submitters, no conflicts (2 of 4 stars). 3 submissions from 3 submitters: Uncertain significance (3). Last evaluated 2025-04-17.

Conditions:
Inborn genetic diseases. Identifiers: MedGen C0950123, MeSH D030342.

gnomAD v4.1: 15 of 1,614,042 alleles (0.00093%); highest among the groups gnomAD compares: East Asian, 0.0045%; no homozygotes.

Submissions (3):

Quest Diagnostics Nichols Institute San Juan Capistrano
Classification: Uncertain significance. Last evaluated: 2025-04-17. Review status: criteria provided, single submitter. Criteria: Quest Diagnostics criteria. Collection method: clinical testing. Allele origin: unknown.
Comment: The VWF c.6463G>T (p.Ala2155Ser) variant has not been reported in individuals with VWF-related conditions in the published literature. The frequency of this variant in the general population (Genome Aggregation Database) is uninformative in the assessment of its pathogenicity. Analysis of this variant using bioinformatics tools for the prediction of the effect of amino acid changes on protein structure and function yielded predictions that this variant is benign. Based on the available information, we are unable to determine the clinical significance of this variant.

ARUP Laboratories, Molecular Genetics and Genomics, ARUP Laboratories
Classification: Uncertain significance. Last evaluated: 2024-12-04. Review status: criteria provided, single submitter. Criteria: ARUP Molecular Germline Variant Investigation Process 2024. Collection method: clinical testing. Allele origin: germline.
Comment: The VWF c.6463G>T; p.Ala2155Ser variant (rs368419568), to our knowledge, is not reported in the medical literature but is reported in ClinVar (Variation ID: 3189452). This variant is only observed on four alleles in the Genome Aggregation Database (v2.1.1), indicating it is not a common polymorphism. Computational analyses predict that this variant is neutral (REVEL: 0.147). Due to limited information, the clinical significance of this variant is uncertain at this time.

Ambry Genetics
Classification: Uncertain significance for Inborn genetic diseases. Last evaluated: 2024-02-12. Review status: criteria provided, single submitter. Criteria: Ambry Variant Classification Scheme 2023. Collection method: clinical testing. Allele origin: germline.